The following is an entry in ClinVar:

NM_025114.4(CEP290):c.7153A>G (p.Ile2385Val)

Gene: CEP290 (centrosomal protein 290; minus strand). Cytogenetic location: 12q21.32.
Variant type: single nucleotide variant.
Coding change: c.7153A>G on transcript NM_025114.4 (MANE Select); coding-DNA position 7153, A replaced by G.
Protein change: p.Ile2385Val; replaces isoleucine 2385 with valine.
Molecular consequence: missense variant.
Genome position (GRCh38, 1-based): chr12:88,050,410, T>C on the plus strand (A>G on the coding strand, the complement: CEP290 is on the minus strand). VCF-style: chr12-88050410-T-C. GRCh37 (hg19) VCF-style: chr12-88444187-T-C.
Other names: c.7153A>G (NM_025114.3); short protein forms I2385V.
Identifiers: ClinVar variation 2075137 (VCV002075137.2), dbSNP rs191581359, ClinGen allele CA6711339.

ClinVar aggregate classification (germline): Uncertain significance. Review status: criteria provided, multiple submitters, no conflicts (2 of 4 stars). 2 submissions from 2 submitters: Uncertain significance (2). Last evaluated 2025-04-25.

Conditions:
CEP290-related disorder. Also called: CEP290-related condition; CEP290-related disorders. Identifiers: MedGen CN239314.
Nephronophthisis. Also called: Juvenile Nephronophthisis. Identifiers: Orphanet 655, MedGen C0687120, MONDO:0019005, HP:0000090.
Joubert syndrome. Also called: Familial aplasia of the vermis; JOUBERT-BOLTSHAUSER SYNDROME. Identifiers: Orphanet 475, MedGen C5979921, MONDO:0018772.
Meckel-Gruber syndrome. Also called: Dysencephalia splachnocystica; DYSENCEPHALIA SPLANCHNOCYSTICA; GRUBER SYNDROME. Identifiers: Orphanet 564, MedGen C0265215, MONDO:0018921.

Allele frequency attached by ClinVar (database versions not stated): gnomAD 0.00001; TOPMed 0.00001; ExAC 0.00002; 1000 Genomes Project 30x 0.00031; 1000 Genomes Project 0.00040.
gnomAD v4.1: 10 of 1,561,324 alleles (0.00064%); highest among the groups gnomAD compares: East Asian, 0.021%; no homozygotes.

Submissions (2):

PreventionGenetics, part of Exact Sciences
Classification: Uncertain significance for CEP290-related condition. Last evaluated: 2025-04-25. Review status: criteria provided, single submitter. Criteria: ACMG Guidelines, 2015. Collection method: clinical testing. Allele origin: germline.
Comment: The CEP290 c.7153A>G variant is predicted to result in the amino acid substitution p.Ile2385Val. To our knowledge, this variant has not been reported in the literature. This variant is reported in 0.024% of alleles in individuals of East Asian descent in gnomAD. At this time, the clinical significance of this variant is uncertain due to the absence of conclusive functional and genetic evidence.

Labcorp Genetics (formerly Invitae), Labcorp
Classification: Uncertain significance for Joubert syndrome; Meckel-Gruber syndrome; Nephronophthisis. Last evaluated: 2022-07-29. Review status: criteria provided, single submitter. Criteria: Invitae Variant Classification Sherloc (09022015). Collection method: clinical testing. Allele origin: germline.
Comment: This sequence change replaces isoleucine, which is neutral and non-polar, with valine, which is neutral and non-polar, at codon 2385 of the CEP290 protein (p.Ile2385Val). This variant is present in population databases (rs191581359, gnomAD 0.02%). This variant has not been reported in the literature in individuals affected with CEP290-related conditions. Algorithms developed to predict the effect of missense changes on protein structure and function output the following: SIFT: "Tolerated"; PolyPhen-2: "Benign"; Align-GVGD: "Class C0". The valine amino acid residue is found in multiple mammalian species, which suggests that this missense change does not adversely affect protein function. Algorithms developed to predict the effect of sequence changes on RNA splicing suggest that this variant may create or strengthen a splice site. In summary, the available evidence is currently insufficient to determine the role of this variant in disease. Therefore, it has been classified as a Variant of Uncertain Significance.